The following is an entry in ClinVar:

ClinVar aggregate classification (germline): Likely pathogenic (1 of 4 stars; one submission).

Conditions:
Deficiency of aromatic-L-amino-acid decarboxylase. Also called: AADC DEFICIENCY; Aromatic amino acid decarboxylase deficiency; DDC DEFICIENCY; DOPA DECARBOXYLASE DEFICIENCY; Aromatic L-Amino Acid Decarboxylase Deficiency. Identifiers: Orphanet 35708, MedGen C1291564, MONDO:0012084, OMIM 608643.

gnomAD v4.1: 3 of 1,612,484 alleles (0.00019%); highest among the groups gnomAD compares: Admixed American, 0.0033%; no homozygotes.

Submission:

Labcorp Genetics (formerly Invitae), Labcorp
Classification: Likely pathogenic for Deficiency of aromatic-L-amino-acid decarboxylase. Last evaluated: 2024-11-19. Review status: criteria provided, single submitter. Criteria: Invitae Variant Classification Sherloc (09022015). Collection method: clinical testing. Allele origin: germline.
Comment: This sequence change affects a donor splice site in intron 11 of the DDC gene. It is expected to disrupt RNA splicing. Variants that disrupt the donor or acceptor splice site typically lead to a loss of protein function (PMID: 16199547), and loss-of-function variants in DDC are known to be pathogenic (PMID: 15079002, 24788355). This variant is present in population databases (no rsID available, gnomAD 0.003%). Disruption of this splice site has been observed in individual(s) with aromatic L-amino acid decarboxylase deficiency (PMID: 27243974, 32369189). ClinVar contains an entry for this variant (Variation ID: 2735024). Algorithms developed to predict the effect of sequence changes on RNA splicing suggest that this variant may disrupt the consensus splice site. In summary, the currently available evidence indicates that the variant is pathogenic, but additional data are needed to prove that conclusively. Therefore, this variant has been classified as Likely Pathogenic.

Literature cited by the submitters: PubMed 16199547; PubMed 15079002; PubMed 24788355; PubMed 27243974; PubMed 32369189.

NM_001082971.2(DDC):c.1041+1G>C

Gene: DDC (dopa decarboxylase; minus strand). Cytogenetic location: 7p12.2.
Variant type: single nucleotide variant.
Coding change: c.1041+1G>C on transcript NM_001082971.2 (MANE Select); the canonical splice donor site of the intron after coding-DNA position 1041, G replaced by C.
Molecular consequence: splice donor variant.
Genome position (GRCh38, 1-based): chr7:50,476,623, C>G on the plus strand (G>C on the coding strand, the complement: DDC is on the minus strand). VCF-style: chr7-50476623-C-G. GRCh37 (hg19) VCF-style: chr7-50544321-C-G.
Other names: c.807+1G>C (NM_001242888.2); c.927+1G>C (NM_001242886.2); c.762+1G>C (NM_001242889.2); c.897+1G>C (NM_001242887.2); c.1041+1G>C (NM_000790.4).
Identifiers: ClinVar variation 2735024 (VCV002735024.3), dbSNP rs1209062363, ClinGen allele CA367534695.